The following is an entry in ClinVar:

NM_015991.4(C1QA):c.586G>A (p.Gly196Arg)

Gene: C1QA (complement C1q A chain; plus strand). Cytogenetic location: 1p36.12.
Variant type: single nucleotide variant.
Coding change: c.586G>A on transcript NM_015991.4 (MANE Select); coding-DNA position 586, G replaced by A.
Protein change: p.Gly196Arg; replaces glycine 196 with arginine.
Molecular consequence: missense variant.
Genome position (GRCh38, 1-based): chr1:22,639,255, G>A. VCF-style: chr1-22639255-G-A. GRCh37 (hg19) VCF-style: chr1-22965748-G-A.
Other names: c.586G>A, p.Gly196Arg (NM_001347465.2, NM_001347466.2); short protein forms G196R.
Identifiers: ClinVar variation 1424219 (VCV001424219.8), dbSNP rs760792758, ClinGen allele CA677802.
Genomic context (GRCh38, chr1:22,639,255, plus strand): 5'-GTCTCCTCCTCAAGGGGCCAGGTCCGACGCTCCCTGGGCTTCTGTGACACCACCAACAAG[G>A]GGCTCTTCCAGGTGGTGTCAGGGGGCATGGTGCTTCAGCTGCAGCAGGGTGACCAGGTCT-3'
Protein context (NP_057075.1, residues 186-206): SLGFCDTTNK[Gly196Arg]LFQVVSGGMV

ClinVar aggregate classification (germline): Uncertain significance (1 of 4 stars; one submission).

Allele frequency attached by ClinVar (database versions not stated): TOPMed 0.00001; ExAC 0.00002; gnomAD 0.00002; gnomAD exomes 0.00003.

Submission:

Labcorp Genetics (formerly Invitae), Labcorp
Classification: Uncertain significance. Last evaluated: 2025-08-03. Review status: criteria provided, single submitter. Criteria: Invitae Variant Classification Sherloc (09022015). Collection method: clinical testing. Allele origin: germline.
Comment: This sequence change replaces glycine, which is neutral and non-polar, with arginine, which is basic and polar, at codon 196 of the C1QA protein (p.Gly196Arg). This variant is present in population databases (rs760792758, gnomAD 0.02%). This variant has not been reported in the literature in individuals affected with C1QA-related conditions. ClinVar contains an entry for this variant (Variation ID: 1424219). An algorithm developed to predict the effect of missense changes on protein structure and function outputs the following: PolyPhen-2: "Benign". The arginine amino acid residue is found in multiple mammalian species, which suggests that this missense change does not adversely affect protein function. In summary, the available evidence is currently insufficient to determine the role of this variant in disease. Therefore, it has been classified as a Variant of Uncertain Significance.